The following is an entry in ClinVar:

NM_006118.4(HAX1):c.448A>G (p.Arg150Gly)

Gene: HAX1 (HCLS1 associated protein X-1; plus strand). Cytogenetic location: 1q21.3.
Variant type: single nucleotide variant.
Coding change: c.448A>G on transcript NM_006118.4 (MANE Select); coding-DNA position 448, A replaced by G.
Protein change: p.Arg150Gly; replaces arginine 150 with glycine.
Molecular consequence: missense variant.
Genome position (GRCh38, 1-based): chr1:154,273,905, A>G. VCF-style: chr1-154273905-A-G. GRCh37 (hg19) VCF-style: chr1-154246381-A-G.
Other names: c.304A>G, p.Arg102Gly (NM_001018837.2); short protein forms R102G, R150G.
Identifiers: ClinVar variation 4033873 (VCV004033873.1).

ClinVar aggregate classification (germline): Uncertain significance (1 of 4 stars; one submission).

Conditions:
Inborn genetic diseases. Identifiers: MedGen C0950123, MeSH D030342.

Submission:

Ambry Genetics
Classification: Uncertain significance for Inborn genetic diseases. Last evaluated: 2025-06-07. Review status: criteria provided, single submitter. Criteria: Ambry Variant Classification Scheme 2023. Collection method: clinical testing. Allele origin: germline.
Comment: The p.R150G variant (also known as c.448A>G), located in coding exon 3 of the HAX1 gene, results from an A to G substitution at nucleotide position 448. The arginine at codon 150 is replaced by glycine, an amino acid with dissimilar properties. This amino acid position is conserved. In addition, this alteration is predicted to be tolerated by in silico analysis. Based on the available evidence, the clinical significance of this variant remains unclear.